The following is an entry in ClinVar:

ClinVar aggregate classification (germline): Likely benign. Review status: criteria provided, multiple submitters, no conflicts (2 of 4 stars). 4 submissions from 4 submitters: Likely benign (2). 2 of the submissions do not count toward it. Last evaluated 2025-09-16.

Conditions:
SLC25A19-related disorder. Also called: SLC25A19-related condition.

Allele frequency attached by ClinVar (database versions not stated): ESP Exome Variant Server 0.00008; gnomAD 0.00012; TOPMed 0.00014; gnomAD exomes 0.00022; ExAC 0.00025.
gnomAD v4.1: 130 of 1,614,018 alleles (0.0081%); highest among the groups gnomAD compares: South Asian, 0.069%; 1 homozygote.

Submissions (4):

Labcorp Genetics (formerly Invitae), Labcorp
Classification: Likely benign. Last evaluated: 2025-09-16. Review status: criteria provided, single submitter. Criteria: Invitae Variant Classification Sherloc (09022015). Collection method: clinical testing. Allele origin: germline.

GeneDx
Classification: Likely benign. Last evaluated: 2018-05-14. Review status: criteria provided, single submitter. Criteria: GeneDx Variant Classification Process June 2021. Collection method: clinical testing. Allele origin: germline. Affected: yes.

PreventionGenetics, part of Exact Sciences
Classification: Likely benign for SLC25A19-related condition. Last evaluated: 2023-01-24. Review status: no assertion criteria provided. Collection method: clinical testing. Allele origin: germline. Not counted in ClinVar's aggregate classification.
Comment: This variant is classified as likely benign based on ACMG/AMP sequence variant interpretation guidelines (Richards et al. 2015 PMID: 25741868, with internal and published modifications).

Mayo Clinic Laboratories, Mayo Clinic
Classification: Likely benign. Last evaluated: 2016-02-25. Review status: no assertion criteria provided. Collection method: clinical testing. Allele origin: unknown. Not counted in ClinVar's aggregate classification.

NM_001126121.2(SLC25A19):c.567C>T (p.Ala189=)

Gene: SLC25A19 (solute carrier family 25 member 19; minus strand). Cytogenetic location: 17q25.1.
Variant type: single nucleotide variant.
Coding change: c.567C>T on transcript NM_001126121.2 (MANE Select); coding-DNA position 567, C replaced by T.
Protein change: p.Ala189=; no amino-acid change (alanine 189 retained).
Molecular consequence: synonymous variant.
Genome position (GRCh38, 1-based): chr17:75,278,228, G>A on the plus strand (C>T on the coding strand, the complement: SLC25A19 is on the minus strand). VCF-style: chr17-75278228-G-A. GRCh37 (hg19) VCF-style: chr17-73274309-G-A.
Other names: c.567C>T, p.Ala189= (NM_001126122.2, NM_021734.5).
Identifiers: ClinVar variation 390564 (VCV000390564.14), dbSNP rs370578595, ClinGen allele CA8760953.